The following is an entry in ClinVar:

NM_002234.4(KCNA5):c.994G>A (p.Val332Ile)

Gene: KCNA5 (potassium voltage-gated channel subfamily A member 5; plus strand). Cytogenetic location: 12p13.32.
Variant type: single nucleotide variant.
Coding change: c.994G>A on transcript NM_002234.4 (MANE Select); coding-DNA position 994, G replaced by A.
Protein change: p.Val332Ile; replaces valine 332 with isoleucine.
Molecular consequence: missense variant.
Genome position (GRCh38, 1-based): chr12:5,045,141, G>A. VCF-style: chr12-5045141-G-A. GRCh37 (hg19) VCF-style: chr12-5154307-G-A.
Other names: short protein forms V332I.
Identifiers: ClinVar variation 4696479 (VCV004696479.1).

ClinVar aggregate classification (germline): Uncertain significance (1 of 4 stars; one submission).

Conditions:
Atrial fibrillation, familial, 7 (ATFB7). Identifiers: MedGen C2677106, MONDO:0012828, OMIM 612240.

Submission:

Labcorp Genetics (formerly Invitae), Labcorp
Classification: Uncertain significance for Atrial fibrillation, familial, 7. Last evaluated: 2025-07-08. Review status: criteria provided, single submitter. Criteria: Invitae Variant Classification Sherloc (09022015). Collection method: clinical testing. Allele origin: germline.
Comment: This sequence change replaces valine, which is neutral and non-polar, with isoleucine, which is neutral and non-polar, at codon 332 of the KCNA5 protein (p.Val332Ile). This variant is not present in population databases (gnomAD no frequency). This variant has not been reported in the literature in individuals affected with KCNA5-related conditions. An algorithm developed to predict the effect of missense changes on protein structure and function (PolyPhen-2) suggests that this variant is likely to be tolerated. In summary, the available evidence is currently insufficient to determine the role of this variant in disease. Therefore, it has been classified as a Variant of Uncertain Significance.